The following is an entry in ClinVar:

NM_001999.4(FBN2):c.6662A>G (p.Asn2221Ser)

Gene: FBN2 (fibrillin 2; minus strand). Cytogenetic location: 5q23.3.
Variant type: single nucleotide variant.
Coding change: c.6662A>G on transcript NM_001999.4 (MANE Select); coding-DNA position 6662, A replaced by G.
Protein change: p.Asn2221Ser; replaces asparagine 2221 with serine.
Molecular consequence: missense variant.
Genome position (GRCh38, 1-based): chr5:128,288,533, T>C on the plus strand (A>G on the coding strand, the complement: FBN2 is on the minus strand). VCF-style: chr5-128288533-T-C. GRCh37 (hg19) VCF-style: chr5-127624225-T-C.
Other names: short protein forms N2221S.
Identifiers: ClinVar variation 5021638 (VCV005021638.1).

ClinVar aggregate classification (germline): Uncertain significance (1 of 4 stars; one submission).

Conditions:
Familial thoracic aortic aneurysm and aortic dissection (TAAD). Also called: Thoracic aortic aneurysms and dissections. Identifiers: Orphanet 91387, MedGen C4707243, MONDO:0019625.

gnomAD v4.1: 3 of 1,613,944 alleles (0.00019%); highest among the groups gnomAD compares: South Asian, 0.0011%; no homozygotes.

Submission:

Ambry Genetics
Classification: Uncertain significance for Familial thoracic aortic aneurysm and aortic dissection. Last evaluated: 2026-08-16. Review status: criteria provided, single submitter. Criteria: Ambry Variant Classification Scheme 2023. Collection method: clinical testing. Allele origin: germline.
Comment: The p.N2221S variant (also known as c.6662A>G), located in coding exon 53 of the FBN2 gene, results from an A to G substitution at nucleotide position 6662. The asparagine at codon 2221 is replaced by serine, an amino acid with highly similar properties. This amino acid position is conserved. In addition, this alteration is predicted to be tolerated by in silico analysis. Based on the available evidence, the clinical significance of this variant remains unclear.